The following is an entry in ClinVar:

ClinVar aggregate classification (germline): Pathogenic (1 of 4 stars; one submission).

Conditions:
Hypokalemic periodic paralysis, type 1. Also called: Hypokalemic Periodic Paralysis Type 1 (AD); HypoPP. Identifiers: Orphanet 681, MedGen C3714580, MONDO:0042979, OMIM 170400.
Malignant hyperthermia, susceptibility to, 5 (MHS5). Also called: CACNA1S-Related Malignant Hyperthermia Susceptibility. Identifiers: Orphanet 423, MedGen C1866077, MONDO:0011163, OMIM 601887.

Submission:

Labcorp Genetics (formerly Invitae), Labcorp
Classification: Pathogenic for Hypokalemic periodic paralysis, type 1; Malignant hyperthermia, susceptibility to, 5. Last evaluated: 2024-02-20. Review status: criteria provided, single submitter. Criteria: Invitae Variant Classification Sherloc (09022015). Collection method: clinical testing. Allele origin: germline.
Comment: This sequence change creates a premature translational stop signal (p.Trp459*) in the CACNA1S gene. It is expected to result in an absent or disrupted protein product. Loss-of-function variants in CACNA1S are known to be pathogenic (PMID: 26247046, 28012042). This variant is not present in population databases (gnomAD no frequency). This variant has not been reported in the literature in individuals affected with CACNA1S-related conditions. For these reasons, this variant has been classified as Pathogenic.

Literature cited by the submitters: PubMed 26247046; PubMed 28012042.

NM_000069.3(CACNA1S):c.1377G>A (p.Trp459Ter)

Gene: CACNA1S (calcium voltage-gated channel subunit alpha1 S; minus strand). Cytogenetic location: 1q32.1.
Variant type: single nucleotide variant.
Coding change: c.1377G>A on transcript NM_000069.3 (MANE Select); coding-DNA position 1377, G replaced by A.
Protein change: p.Trp459Ter; replaces tryptophan 459 with a stop codon.
Molecular consequence: nonsense.
Genome position (GRCh38, 1-based): chr1:201,083,178, C>T on the plus strand (G>A on the coding strand, the complement: CACNA1S is on the minus strand). VCF-style: chr1-201083178-C-T. GRCh37 (hg19) VCF-style: chr1-201052306-C-T.
Other names: short protein forms W459*.
Identifiers: ClinVar variation 3763797 (VCV003763797.2).